The following is an entry in ClinVar:

NM_005357.4(LIPE):c.446C>T (p.Ala149Val)

Genes: LIPE (lipase E, hormone sensitive type; minus strand), LIPE-AS1 (LIPE antisense RNA 1; plus strand). Cytogenetic location: 19q13.2.
Variant type: single nucleotide variant.
Coding change: c.446C>T on transcript NM_005357.4 (MANE Select); coding-DNA position 446, C replaced by T.
Protein change: p.Ala149Val; replaces alanine 149 with valine.
Molecular consequence: missense variant.
Genome position (GRCh38, 1-based): chr19:42,426,704, G>A on the plus strand (C>T on the coding strand, the complement: LIPE is on the minus strand). VCF-style: chr19-42426704-G-A. GRCh37 (hg19) VCF-style: chr19-42930856-G-A.
Other names: short protein forms A149V.
Identifiers: ClinVar variation 2650044 (VCV002650044.24), dbSNP rs772274493, ClinGen allele CA9477338.

ClinVar aggregate classification (germline): Likely benign (1 of 4 stars; one submission).

Allele frequency attached by ClinVar (database versions not stated): gnomAD 0.00003; TOPMed 0.00007.

Submission:

CeGaT Center for Human Genetics Tuebingen
Classification: Likely benign. Last evaluated: 2022-07-01. Review status: criteria provided, single submitter. Criteria: CeGaT Center For Human Genetics Tuebingen Variant Classification Criteria Version 2. Collection method: clinical testing. Allele origin: germline. Affected: yes. Observed: 1 variant allele.
Comment: LIPE: BP4